The following is an entry in ClinVar:

NM_006252.4(PRKAA2):c.1563C>T (p.Thr521=)

Gene: PRKAA2 (protein kinase AMP-activated catalytic subunit alpha 2; plus strand). Cytogenetic location: 1p32.2.
Variant type: single nucleotide variant.
Coding change: c.1563C>T on transcript NM_006252.4 (MANE Select); coding-DNA position 1563, C replaced by T.
Protein change: p.Thr521=; no amino-acid change (threonine 521 retained).
Molecular consequence: synonymous variant.
Genome position (GRCh38, 1-based): chr1:56,707,617, C>T. VCF-style: chr1-56707617-C-T. GRCh37 (hg19) VCF-style: chr1-57173290-C-T.
Identifiers: ClinVar variation 3053540 (VCV003053540.2), dbSNP rs140986085, ClinGen allele CA873971.
Genomic context (GRCh38, chr1:56,707,617, plus strand): 5'-TTTTGATTCCACAACTGCAGAGAGCCATTCACTTTCTGGCTCTCTCACTGGCTCTTTGAC[C>T]GGAAGCACATTGTCTTCAGTTTCACCTCGCCTGGGCAGTCACACCATGGATTTTTTTGAA-3'
Protein context (NP_006243.2, residues 511-531): SLSGSLTGSL[Thr521=]GSTLSSVSPR

ClinVar aggregate classification (germline): Likely benign (0 of 4 stars; one submission).

Conditions:
PRKAA2-related disorder. Also called: PRKAA2-related condition.

Allele frequency attached by ClinVar (database versions not stated): ESP Exome Variant Server 0.00054; gnomAD 0.00055; 1000 Genomes Project 0.00140; 1000 Genomes Project 30x 0.00141.

Submission:

PreventionGenetics, part of Exact Sciences
Classification: Likely benign for PRKAA2-related condition. Last evaluated: 2020-03-09. Review status: no assertion criteria provided. Collection method: clinical testing. Allele origin: germline.
Comment: This variant is classified as likely benign based on ACMG/AMP sequence variant interpretation guidelines (Richards et al. 2015 PMID: 25741868, with internal and published modifications).